The following is an entry in ClinVar:

ClinVar aggregate classification (germline): Likely benign. Review status: criteria provided, single submitter (1 of 4 stars). 2 submissions from 2 submitters: Likely benign (1). 1 of the submissions does not count toward it. Last evaluated 2024-05-29.

Conditions:
PKD1L1-related disorder. Also called: PKD1L1-related condition.

Allele frequency attached by ClinVar (database versions not stated): gnomAD 0.00002; TOPMed 0.00002; ExAC 0.00014.
gnomAD v4.1: 33 of 1,588,758 alleles (0.0021%); highest among the groups gnomAD compares: African/African-American, 0.004%; no homozygotes.

Submissions (2):

Labcorp Genetics (formerly Invitae), Labcorp
Classification: Likely benign. Last evaluated: 2024-05-29. Review status: criteria provided, single submitter. Criteria: Invitae Variant Classification Sherloc (09022015). Collection method: clinical testing. Allele origin: germline.

PreventionGenetics, part of Exact Sciences
Classification: Likely benign for PKD1L1-related condition. Last evaluated: 2022-01-27. Review status: no assertion criteria provided. Collection method: clinical testing. Allele origin: germline. Not counted in ClinVar's aggregate classification.
Comment: This variant is classified as likely benign based on ACMG/AMP sequence variant interpretation guidelines (Richards et al. 2015 PMID: 25741868, with internal and published modifications).

NM_138295.5(PKD1L1):c.5598C>T (p.His1866=)

Gene: PKD1L1 (polycystin 1 like 1, transient receptor potential channel interacting; minus strand). Cytogenetic location: 7p12.3.
Variant type: single nucleotide variant.
Coding change: c.5598C>T on transcript NM_138295.5 (MANE Select); coding-DNA position 5598, C replaced by T.
Protein change: p.His1866=; no amino-acid change (histidine 1866 retained).
Molecular consequence: synonymous variant.
Genome position (GRCh38, 1-based): chr7:47,839,617, G>A on the plus strand (C>T on the coding strand, the complement: PKD1L1 is on the minus strand). VCF-style: chr7-47839617-G-A. GRCh37 (hg19) VCF-style: chr7-47879215-G-A.
Other names: c.5598C>T (NM_138295.3).
Identifiers: ClinVar variation 2904290 (VCV002904290.5), dbSNP rs756940262, ClinGen allele CA4252798.